The following is an entry in ClinVar:

NM_001127208.3(TET2):c.2452C>T (p.Pro818Ser)

Genes: TET2 (tet methylcytosine dioxygenase 2; plus strand), TET2-AS1 (TET2 antisense RNA 1; minus strand). Cytogenetic location: 4q24.
Variant type: single nucleotide variant.
Coding change: c.2452C>T on transcript NM_001127208.3 (MANE Select); coding-DNA position 2452, C replaced by T.
Protein change: p.Pro818Ser; replaces proline 818 with serine.
Molecular consequence: missense variant.
Genome position (GRCh38, 1-based): chr4:105,236,394, C>T. VCF-style: chr4-105236394-C-T. GRCh37 (hg19) VCF-style: chr4-106157551-C-T.
Other names: c.2452C>T, p.Pro818Ser (NM_017628.4); short protein forms P818S.
Identifiers: ClinVar variation 3967651 (VCV003967651.1).

ClinVar aggregate classification (germline): Uncertain significance (1 of 4 stars; one submission).

gnomAD v4.1: 6 of 1,613,916 alleles (0.00037%); no homozygotes.

Submission:

Ambry Genetics
Classification: Uncertain significance. Last evaluated: 2025-05-19. Review status: criteria provided, single submitter. Criteria: Ambry Variant Classification Scheme 2023. Collection method: clinical testing. Allele origin: germline.
Comment: The p.P818S variant (also known as c.2452C>T), located in coding exon 1 of the TET2 gene, results from a C to T substitution at nucleotide position 2452. The proline at codon 818 is replaced by serine, an amino acid with similar properties. This amino acid position is conserved. In addition, this alteration is predicted to be tolerated by in silico analysis. Based on the available evidence, the clinical significance of this variant remains unclear.